The following is an entry in ClinVar:

ClinVar aggregate classification (germline): Uncertain significance (1 of 4 stars; one submission).

Conditions:
Long QT syndrome (LQTS). Identifiers: MedGen C0023976, MeSH D008133, MONDO:0002442. Disease mechanism: loss of function. Inheritance: Various modes of inheritance.

Allele frequency attached by ClinVar (database versions not stated): gnomAD exomes below 0.00001 and 0.00001; gnomAD 0.00001; TOPMed 0.00002.
gnomAD v4.1: 16 of 1,610,670 alleles (0.00099%); highest among the groups gnomAD compares: African/African-American, 0.004%; no homozygotes.

Submission:

Labcorp Genetics (formerly Invitae), Labcorp
Classification: Uncertain significance for Long QT syndrome. Last evaluated: 2024-09-14. Review status: criteria provided, single submitter. Criteria: Invitae Variant Classification Sherloc (09022015). Collection method: clinical testing. Allele origin: germline.
Comment: This sequence change replaces proline, which is neutral and non-polar, with leucine, which is neutral and non-polar, at codon 406 of the KCNJ5 protein (p.Pro406Leu). This variant is present in population databases (no rsID available, gnomAD 0.0009%). This variant has not been reported in the literature in individuals affected with KCNJ5-related conditions. ClinVar contains an entry for this variant (Variation ID: 1352801). Invitae Evidence Modeling of protein sequence and biophysical properties (such as structural, functional, and spatial information, amino acid conservation, physicochemical variation, residue mobility, and thermodynamic stability) indicates that this missense variant is not expected to disrupt KCNJ5 protein function with a negative predictive value of 95%. In summary, the available evidence is currently insufficient to determine the role of this variant in disease. Therefore, it has been classified as a Variant of Uncertain Significance.

NM_000890.5(KCNJ5):c.1217C>T (p.Pro406Leu)

Gene: KCNJ5 (potassium inwardly rectifying channel subfamily J member 5; plus strand). Cytogenetic location: 11q24.3.
Variant type: single nucleotide variant.
Coding change: c.1217C>T on transcript NM_000890.5 (MANE Select); coding-DNA position 1217, C replaced by T.
Protein change: p.Pro406Leu; replaces proline 406 with leucine.
Molecular consequence: missense variant.
Genome position (GRCh38, 1-based): chr11:128,916,688, C>T. VCF-style: chr11-128916688-C-T. GRCh37 (hg19) VCF-style: chr11-128786583-C-T.
Other names: c.1217C>T, p.Pro406Leu (NM_001354169.2); short protein forms P406L.
Identifiers: ClinVar variation 1352801 (VCV001352801.8), dbSNP rs1467798537, ClinGen allele CA383236324.